The following is an entry in ClinVar:

ClinVar aggregate classification (germline): Uncertain significance (1 of 4 stars; one submission).

Allele frequency attached by ClinVar (database versions not stated): gnomAD exomes below 0.00001 and 0.00001; TOPMed below 0.00001; ExAC 0.00001; gnomAD 0.00001.
gnomAD v4.1: 11 of 1,613,682 alleles (0.00068%); highest among the groups gnomAD compares: African/African-American, 0.0027%; no homozygotes.

Submission:

Labcorp Genetics (formerly Invitae), Labcorp
Classification: Uncertain significance. Last evaluated: 2021-05-06. Review status: criteria provided, single submitter. Criteria: Invitae Variant Classification Sherloc (09022015). Collection method: clinical testing. Allele origin: germline.
Comment: This sequence change replaces arginine with tryptophan at codon 1317 of the MYH7B protein (p.Arg1317Trp). The arginine residue is highly conserved and there is a moderate physicochemical difference between arginine and tryptophan. This variant is present in population databases (rs766880642, ExAC 0.002%). This variant has not been reported in the literature in individuals with MYH7B-related conditions. Algorithms developed to predict the effect of missense changes on protein structure and function (SIFT, PolyPhen-2, Align-GVGD) all suggest that this variant is likely to be disruptive, but these predictions have not been confirmed by published functional studies and their clinical significance is uncertain. In summary, the available evidence is currently insufficient to determine the role of this variant in disease. Therefore, it has been classified as a Variant of Uncertain Significance.

NM_020884.7(MYH7B):c.3823C>T (p.Arg1275Trp)

Gene: MYH7B (myosin heavy chain 7B; plus strand). Cytogenetic location: 20q11.22.
Variant type: single nucleotide variant.
Coding change: c.3823C>T on transcript NM_020884.7 (MANE Select); coding-DNA position 3823, C replaced by T.
Protein change: p.Arg1275Trp; replaces arginine 1275 with tryptophan.
Molecular consequence: missense variant.
Genome position (GRCh38, 1-based): chr20:34,998,370, C>T. VCF-style: chr20-34998370-C-T. GRCh37 (hg19) VCF-style: chr20-33586173-C-T.
Other names: short protein forms R1275W.
Identifiers: ClinVar variation 1518004 (VCV001518004.8), dbSNP rs766880642, ClinGen allele CA9827866.
Genomic context (GRCh38, chr20:34,998,370, plus strand): 5'-CTGTGCCGGACCTATGAGGATCAGCTAAGCGAGGCCAAGATCAAGGTGGAGGAGCTGCAG[C>T]GGCAGCTGGCGGACGCAAGCACGCAGCGTGGGCGACTACAGACGGAAAGCGGTGAGGCTG-3'
Protein context (NP_065935.4, residues 1265-1285): EAKIKVEELQ[Arg1275Trp]QLADASTQRG